The following is an entry in ClinVar:

ClinVar aggregate classification (germline): Uncertain significance (1 of 4 stars; one submission).

Conditions:
Primary ciliary dyskinesia 23 (CILD23). Also called: CILIARY DYSKINESIA, PRIMARY, 23, WITH OR WITHOUT SITUS INVERSUS. Identifiers: Orphanet 244, MedGen C3809548, MONDO:0014193, OMIM 615451.

Submission:

Labcorp Genetics (formerly Invitae), Labcorp
Classification: Uncertain significance for Primary ciliary dyskinesia 23. Last evaluated: 2021-11-06. Review status: criteria provided, single submitter. Criteria: Invitae Variant Classification Sherloc (09022015). Collection method: clinical testing. Allele origin: germline.
Comment: This variant has not been reported in the literature in individuals affected with ARMC4-related conditions. Algorithms developed to predict the effect of missense changes on protein structure and function are either unavailable or do not agree on the potential impact of this missense change (SIFT: "Deleterious"; PolyPhen-2: "Benign"; Align-GVGD: "Class C0"). In summary, the available evidence is currently insufficient to determine the role of this variant in disease. Therefore, it has been classified as a Variant of Uncertain Significance. This sequence change replaces glutamine, which is neutral and polar, with arginine, which is basic and polar, at codon 688 of the ARMC4 protein (p.Gln688Arg). This variant is not present in population databases (gnomAD no frequency).

NM_018076.5(ODAD2):c.2063A>G (p.Gln688Arg)

Gene: ODAD2 (outer dynein arm docking complex subunit 2; minus strand). Cytogenetic location: 10p12.1.
Variant type: single nucleotide variant.
Coding change: c.2063A>G on transcript NM_018076.5 (MANE Select); coding-DNA position 2063, A replaced by G.
Protein change: p.Gln688Arg; replaces glutamine 688 with arginine.
Molecular consequence: missense variant.
Genome position (GRCh38, 1-based): chr10:27,939,931, T>C on the plus strand (A>G on the coding strand, the complement: ODAD2 is on the minus strand). VCF-style: chr10-27939931-T-C. GRCh37 (hg19) VCF-style: chr10-28228860-T-C.
Other names: c.2063A>G, p.Gln688Arg (NM_001290020.2); c.638A>G, p.Gln213Arg (NM_001290021.2); c.1139A>G, p.Gln380Arg (NM_001312689.2); short protein forms Q213R, Q380R, Q688R.
Identifiers: ClinVar variation 1681363 (VCV001681363.6), dbSNP rs2132563198, ClinGen allele CA376392140.